The following is an entry in ClinVar:

NM_000187.4(HGD):c.820C>A (p.Pro274Thr)

Gene: HGD (homogentisate 1,2-dioxygenase; minus strand). Cytogenetic location: 3q13.33.
Variant type: single nucleotide variant.
Coding change: c.820C>A on transcript NM_000187.4 (MANE Select); coding-DNA position 820, C replaced by A.
Protein change: p.Pro274Thr; replaces proline 274 with threonine.
Molecular consequence: missense variant.
Genome position (GRCh38, 1-based): chr3:120,641,648, G>T on the plus strand (C>A on the coding strand, the complement: HGD is on the minus strand). VCF-style: chr3-120641648-G-T. GRCh37 (hg19) VCF-style: chr3-120360495-G-T.
Other names: short protein forms P274T.
Identifiers: ClinVar variation 2102559 (VCV002102559.4), dbSNP rs1056909521, ClinGen allele CA81783975.

ClinVar aggregate classification (germline): Likely pathogenic (1 of 4 stars; one submission).

Conditions:
Alkaptonuria (AKU). Also called: Alkaptonuric ochronosis; Homogentisic acidura; HOMOGENTISIC ACID OXIDASE DEFICIENCY; Alcaptonuria. Identifiers: Orphanet 56, MedGen C0002066, MONDO:0008753, OMIM 203500.

Submission:

Labcorp Genetics (formerly Invitae), Labcorp
Classification: Likely pathogenic for Alkaptonuria. Last evaluated: 2022-03-07. Review status: criteria provided, single submitter. Criteria: Invitae Variant Classification Sherloc (09022015). Collection method: clinical testing. Allele origin: germline.
Comment: In summary, the currently available evidence indicates that the variant is pathogenic, but additional data are needed to prove that conclusively. Therefore, this variant has been classified as Likely Pathogenic. This variant disrupts the p.Pro274 amino acid residue in HGD. Other variant(s) that disrupt this residue have been determined to be pathogenic (PMID: 21822197; Invitae). This suggests that this residue is clinically significant, and that variants that disrupt this residue are likely to be disease-causing. Advanced modeling of protein sequence and biophysical properties (such as structural, functional, and spatial information, amino acid conservation, physicochemical variation, residue mobility, and thermodynamic stability) performed at Invitae indicates that this missense variant is expected to disrupt HGD protein function. This variant has not been reported in the literature in individuals affected with HGD-related conditions. This variant is not present in population databases (gnomAD no frequency). This sequence change replaces proline, which is neutral and non-polar, with threonine, which is neutral and polar, at codon 274 of the HGD protein (p.Pro274Thr).

Literature cited by the submitters: PubMed 21822197.